The following is an entry in ClinVar:

NM_000352.6(ABCC8):c.2920+4C>T

Gene: ABCC8 (ATP binding cassette subfamily C member 8; minus strand). Cytogenetic location: 11p15.1.
Variant type: single nucleotide variant.
Coding change: c.2920+4C>T on transcript NM_000352.6 (MANE Select); 4 bases into the intron after coding-DNA position 2920, C replaced by T.
Molecular consequence: intron variant.
Genome position (GRCh38, 1-based): chr11:17,407,350, G>A on the plus strand (C>T on the coding strand, the complement: ABCC8 is on the minus strand). VCF-style: chr11-17407350-G-A. GRCh37 (hg19) VCF-style: chr11-17428897-G-A.
Other names: c.2917+4C>T (NM_001351297.2); c.2920+4C>T (NM_001351296.2); c.2986+4C>T (NM_001351295.2); c.2923+4C>T (NM_001287174.3).
Identifiers: ClinVar variation 4689455 (VCV004689455.2).

ClinVar aggregate classification (germline): Uncertain significance. Review status: criteria provided, multiple submitters, no conflicts (2 of 4 stars). 2 submissions from 2 submitters: Uncertain significance (2). Last evaluated 2026-01-12.

gnomAD v4.1: 2 of 1,614,162 alleles (0.00012%); highest among the groups gnomAD compares: African/African-American, 0.0013%; no homozygotes.

Submissions (2):

Women's Health and Genetics/Laboratory Corporation of America, LabCorp
Classification: Uncertain significance. Last evaluated: 2026-01-12. Review status: criteria provided, single submitter. Criteria: LabCorp Variant Classification Summary - May 2015. Collection method: clinical testing. Allele origin: germline.
Comment: Variant summary: ABCC8 c.2920+4C>T alters a conserved nucleotide located close to a canonical splice site and therefore could affect mRNA splicing, leading to a significantly altered protein sequence. Consensus agreement among computation tools predict no significant impact on normal splicing. However, these predictions have yet to be confirmed by functional studies. The variant was absent in 251496 control chromosomes. The available data on variant occurrences in the general population are insufficient to allow any conclusion about variant significance. To our knowledge, no occurrence of c.2920+4C>T in individuals affected with ABCC8-related conditions and no experimental evidence demonstrating its impact on protein function have been reported. No submitters have cited clinical-significance assessments for this variant to ClinVar. Based on the evidence outlined above, the variant was classified as uncertain significance.

Blueprint Genetics
Classification: Uncertain significance. Last evaluated: 2021-06-24. Review status: criteria provided, single submitter. Criteria: ACMG Guidelines, 2015. Collection method: clinical testing. Allele origin: germline.